The following is an entry in ClinVar:

NM_016213.5(TRIP4):c.899A>T (p.Lys300Ile)

Gene: TRIP4 (thyroid hormone receptor interactor 4; plus strand). Cytogenetic location: 15q22.31.
Variant type: single nucleotide variant.
Coding change: c.899A>T on transcript NM_016213.5 (MANE Select); coding-DNA position 899, A replaced by T.
Protein change: p.Lys300Ile; replaces lysine 300 with isoleucine.
Molecular consequence: missense variant. On other transcripts: non-coding transcript variant (1).
Genome position (GRCh38, 1-based): chr15:64,409,684, A>T. VCF-style: chr15-64409684-A-T. GRCh37 (hg19) VCF-style: chr15-64701883-A-T.
Other names: c.899A>T (NM_016213.4); c.209A>T, p.Lys70Ile (NM_001321924.2); short protein forms K300I, K70I.
Identifiers: ClinVar variation 2776584 (VCV002776584.5), dbSNP rs367814990, ClinGen allele CA7609496.

ClinVar aggregate classification (germline): Uncertain significance. Review status: criteria provided, multiple submitters, no conflicts (2 of 4 stars). 3 submissions from 3 submitters: Uncertain significance (3). Last evaluated 2025-08-08.

Conditions:
Inborn genetic diseases. Identifiers: MedGen C0950123, MeSH D030342.

gnomAD v4.1: 4 of 1,614,202 alleles (0.00025%); highest among the groups gnomAD compares: Non-Finnish European, 0.00034%; no homozygotes.

Submissions (3):

Ambry Genetics
Classification: Uncertain significance for Inborn genetic diseases. Last evaluated: 2025-08-08. Review status: criteria provided, single submitter. Criteria: Ambry Variant Classification Scheme 2023. Collection method: clinical testing. Allele origin: germline.

Revvity Omics, Revvity
Classification: Uncertain significance. Last evaluated: 2024-02-19. Review status: criteria provided, single submitter. Criteria: ACMG Guidelines, 2015. Collection method: clinical testing. Allele origin: germline.

Labcorp Genetics (formerly Invitae), Labcorp
Classification: Uncertain significance. Last evaluated: 2023-10-29. Review status: criteria provided, single submitter. Criteria: Invitae Variant Classification Sherloc (09022015). Collection method: clinical testing. Allele origin: germline.
Comment: This sequence change replaces lysine, which is basic and polar, with isoleucine, which is neutral and non-polar, at codon 300 of the TRIP4 protein (p.Lys300Ile). This variant is present in population databases (rs367814990, gnomAD 0.002%). This variant has not been reported in the literature in individuals affected with TRIP4-related conditions. Advanced modeling of protein sequence and biophysical properties (such as structural, functional, and spatial information, amino acid conservation, physicochemical variation, residue mobility, and thermodynamic stability) performed at Invitae indicates that this missense variant is not expected to disrupt TRIP4 protein function with a negative predictive value of 80%. In summary, the available evidence is currently insufficient to determine the role of this variant in disease. Therefore, it has been classified as a Variant of Uncertain Significance.